The following is an entry in ClinVar:

ClinVar aggregate classification (germline): Uncertain significance (1 of 4 stars; one submission).

Conditions:
TH-deficient dopa-responsive dystonia. Also called: Tyrosine Hydroxylase-Deficient Dopa-Responsive Dystonia; Segawa syndrome, autosomal recessive; DYT-TH. Identifiers: Orphanet 101150, MedGen C2673535, MONDO:0011551, OMIM 605407.

Allele frequency attached by ClinVar (database versions not stated): gnomAD exomes below 0.00001.

Submission:

Labcorp Genetics (formerly Invitae), Labcorp
Classification: Uncertain significance for TH-deficient dopa-responsive dystonia. Last evaluated: 2024-05-29. Review status: criteria provided, single submitter. Criteria: Invitae Variant Classification Sherloc (09022015). Collection method: clinical testing. Allele origin: germline.
Comment: This sequence change replaces phenylalanine, which is neutral and non-polar, with leucine, which is neutral and non-polar, at codon 286 of the TH protein (p.Phe286Leu). This variant is not present in population databases (gnomAD no frequency). This variant has not been reported in the literature in individuals affected with TH-related conditions. Algorithms developed to predict the effect of missense changes on protein structure and function output the following: SIFT: "Not Available"; PolyPhen-2: "Benign"; Align-GVGD: "Not Available". The leucine amino acid residue is found in multiple mammalian species, which suggests that this missense change does not adversely affect protein function. In summary, the available evidence is currently insufficient to determine the role of this variant in disease. Therefore, it has been classified as a Variant of Uncertain Significance.

NM_000360.4(TH):c.765T>G (p.Phe255Leu)

Gene: TH (tyrosine hydroxylase; minus strand). Cytogenetic location: 11p15.5.
Variant type: single nucleotide variant.
Coding change: c.765T>G on transcript NM_000360.4 (MANE Select); coding-DNA position 765, T replaced by G.
Protein change: p.Phe255Leu; replaces phenylalanine 255 with leucine.
Molecular consequence: missense variant.
Genome position (GRCh38, 1-based): chr11:2,166,963, A>C on the plus strand (T>G on the coding strand, the complement: TH is on the minus strand). VCF-style: chr11-2166963-A-C. GRCh37 (hg19) VCF-style: chr11-2188193-A-C.
Other names: c.858T>G, p.Phe286Leu (NM_199292.3); c.846T>G, p.Phe282Leu (NM_199293.3); short protein forms F286L, F282L, F255L.
Identifiers: ClinVar variation 2808963 (VCV002808963.3), dbSNP rs745783108, ClinGen allele CA379126837.